The following is an entry in ClinVar:

NM_000091.5(COL4A3):c.1759-6T>C

Genes: MFF-DT (MFF divergent transcript; minus strand), COL4A3 (collagen type IV alpha 3 chain; plus strand). Cytogenetic location: 2q36.3.
Variant type: single nucleotide variant.
Coding change: c.1759-6T>C on transcript NM_000091.5 (MANE Select); 6 bases into the intron before coding-DNA position 1759, T replaced by C.
Molecular consequence: intron variant.
Genome position (GRCh38, 1-based): chr2:227,272,943, T>C. VCF-style: chr2-227272943-T-C. GRCh37 (hg19) VCF-style: chr2-228137659-T-C.
Other names: c.1759-6T>C (NM_000091.4).
Identifiers: ClinVar variation 2165909 (VCV002165909.5), dbSNP rs2469699272, ClinGen allele CA2577264985.

ClinVar aggregate classification (germline): Likely benign. Review status: criteria provided, multiple submitters, no conflicts (2 of 4 stars). 2 submissions from 2 submitters: Likely benign (2). Last evaluated 2025-10-16.

Conditions:
COL4A3-related disorder. Also called: COL4A3-Related Disorders; COL4A3-related condition.

gnomAD v4.1: 9 of 1,613,916 alleles (0.00056%); highest among the groups gnomAD compares: Non-Finnish European, 0.00076%; no homozygotes.

Submissions (2):

PreventionGenetics, part of Exact Sciences
Classification: Likely benign for COL4A3-related condition. Last evaluated: 2025-10-16. Review status: criteria provided, single submitter. Criteria: ACMG Guidelines, 2015. Collection method: clinical testing. Allele origin: germline.
Comment: This variant is classified as likely benign based on ACMG/AMP sequence variant interpretation guidelines (Richards et al. 2015 PMID: 25741868, with internal and published modifications).

Labcorp Genetics (formerly Invitae), Labcorp
Classification: Likely benign. Last evaluated: 2023-05-05. Review status: criteria provided, single submitter. Criteria: Invitae Variant Classification Sherloc (09022015). Collection method: clinical testing. Allele origin: germline.